The following is an entry in ClinVar:

NM_139076.3(ABRAXAS1):c.985C>T (p.His329Tyr)

Gene: ABRAXAS1 (abraxas 1, BRCA1 A complex subunit; minus strand). Cytogenetic location: 4q21.23.
Variant type: single nucleotide variant.
Coding change: c.985C>T on transcript NM_139076.3 (MANE Select); coding-DNA position 985, C replaced by T.
Protein change: p.His329Tyr; replaces histidine 329 with tyrosine.
Molecular consequence: missense variant.
Genome position (GRCh38, 1-based): chr4:83,462,714, G>A on the plus strand (C>T on the coding strand, the complement: ABRAXAS1 is on the minus strand). VCF-style: chr4-83462714-G-A. GRCh37 (hg19) VCF-style: chr4-84383867-G-A.
Other names: c.658C>T, p.His220Tyr (NM_001345962.2); c.985C>T (NM_139076.2); short protein forms H220Y, H329Y.
Identifiers: ClinVar variation 1011749 (VCV001011749.10), dbSNP rs1248645578, ClinGen allele CA357255623.

ClinVar aggregate classification (germline): Conflicting classifications of pathogenicity. Review status: criteria provided, conflicting classifications (1 of 4 stars). 2 submissions from 2 submitters: Uncertain significance (1); Likely benign (1). Last evaluated 2023-03-12.

Allele frequency attached by ClinVar (database versions not stated): gnomAD exomes below 0.00001; gnomAD 0.00001; TOPMed 0.00002.
gnomAD v4.1: 8 of 1,613,628 alleles (0.0005%); highest among the groups gnomAD compares: Admixed American, 0.0017%; no homozygotes.

Submissions (2):

Ambry Genetics
Classification: Likely benign. Last evaluated: 2023-03-12. Review status: criteria provided, single submitter. Criteria: Ambry Variant Classification Scheme 2023. Collection method: clinical testing. Allele origin: germline.

Labcorp Genetics (formerly Invitae), Labcorp
Classification: Uncertain significance. Last evaluated: 2022-09-16. Review status: criteria provided, single submitter. Criteria: Invitae Variant Classification Sherloc (09022015). Collection method: clinical testing. Allele origin: germline.
Comment: This sequence change replaces histidine, which is basic and polar, with tyrosine, which is neutral and polar, at codon 329 of the ABRAXAS1 protein (p.His329Tyr). This variant is not present in population databases (gnomAD no frequency). This variant has not been reported in the literature in individuals affected with ABRAXAS1-related conditions. ClinVar contains an entry for this variant (Variation ID: 1011749). Advanced modeling of protein sequence and biophysical properties (such as structural, functional, and spatial information, amino acid conservation, physicochemical variation, residue mobility, and thermodynamic stability) performed at Invitae indicates that this missense variant is not expected to disrupt ABRAXAS1 protein function. In summary, the available evidence is currently insufficient to determine the role of this variant in disease. Therefore, it has been classified as a Variant of Uncertain Significance.